The following is an entry in ClinVar:

NM_014365.3(HSPB8):c.260C>T (p.Thr87Ile)

Gene: HSPB8 (heat shock protein family B (small) member 8; plus strand). Cytogenetic location: 12q24.23.
Variant type: single nucleotide variant.
Coding change: c.260C>T on transcript NM_014365.3 (MANE Select); coding-DNA position 260, C replaced by T.
Protein change: p.Thr87Ile; replaces threonine 87 with isoleucine.
Molecular consequence: missense variant.
Genome position (GRCh38, 1-based): chr12:119,179,572, C>T. VCF-style: chr12-119179572-C-T. GRCh37 (hg19) VCF-style: chr12-119617377-C-T.
Other names: short protein forms T87I.
Identifiers: ClinVar variation 1793776 (VCV001793776.2), dbSNP rs1294621759, ClinGen allele CA386525603.

ClinVar aggregate classification (germline): Uncertain significance (1 of 4 stars; one submission).

Conditions:
Inborn genetic diseases. Identifiers: MedGen C0950123, MeSH D030342.

Allele frequency attached by ClinVar (database versions not stated): TOPMed below 0.00001; gnomAD exomes 0.00001.
gnomAD v4.1: 9 of 1,612,002 alleles (0.00056%); highest among the groups gnomAD compares: South Asian, 0.0011%; no homozygotes.

Submission:

Ambry Genetics
Classification: Uncertain significance for Inborn genetic diseases. Last evaluated: 2021-12-08. Review status: criteria provided, single submitter. Criteria: Ambry Variant Classification Scheme 2023. Collection method: clinical testing. Allele origin: germline.
Comment: The p.T87I variant (also known as c.260C>T), located in coding exon 1 of the HSPB8 gene, results from a C to T substitution at nucleotide position 260. The threonine at codon 87 is replaced by isoleucine, an amino acid with similar properties. This amino acid position is poorly conserved in available vertebrate species. In addition, this alteration is predicted to be tolerated by in silico analysis. Since supporting evidence is limited at this time, the clinical significance of this alteration remains unclear.